The following is an entry in ClinVar:

ClinVar aggregate classification (germline): Uncertain significance (1 of 4 stars; one submission).

Conditions:
Centromeric instability of chromosomes 1,9 and 16 and immunodeficiency (ICF1). Also called: Immunodeficiency-centromeric instability-facial anomalies; CENTROMERIC INSTABILITY, IMMUNODEFICIENCY SYNDROME; IMMUNE DEFICIENCY, VARIABLE, WITH CENTROMERIC INSTABILITY OF CHROMOSOMES 1, 9, AND 16; IMMUNODEFICIENCY SYNDROME, VARIABLE. Identifiers: Orphanet 2268, MedGen C0398788, MONDO:0000133.

Submission:

Labcorp Genetics (formerly Invitae), Labcorp
Classification: Uncertain significance for Centromeric instability of chromosomes 1,9 and 16 and immunodeficiency. Last evaluated: 2022-07-14. Review status: criteria provided, single submitter. Criteria: Invitae Variant Classification Sherloc (09022015). Collection method: clinical testing. Allele origin: germline.
Comment: In summary, the available evidence is currently insufficient to determine the role of this variant in disease. Therefore, it has been classified as a Variant of Uncertain Significance. Algorithms developed to predict the effect of missense changes on protein structure and function (SIFT, PolyPhen-2, Align-GVGD) all suggest that this variant is likely to be tolerated. This variant has not been reported in the literature in individuals affected with DNMT3B-related conditions. This variant is not present in population databases (gnomAD no frequency). This sequence change replaces threonine, which is neutral and polar, with asparagine, which is neutral and polar, at codon 389 of the DNMT3B protein (p.Thr389Asn).

NM_006892.4(DNMT3B):c.1166C>A (p.Thr389Asn)

Gene: DNMT3B (DNA methyltransferase 3 beta; plus strand). Cytogenetic location: 20q11.21.
Variant type: single nucleotide variant.
Coding change: c.1166C>A on transcript NM_006892.4 (MANE Select); coding-DNA position 1166, C replaced by A.
Protein change: p.Thr389Asn; replaces threonine 389 with asparagine.
Molecular consequence: missense variant.
Genome position (GRCh38, 1-based): chr20:32,795,448, C>A. VCF-style: chr20-32795448-C-A. GRCh37 (hg19) VCF-style: chr20-31383254-C-A.
Other names: c.980C>A, p.Thr327Asn (NM_001207055.2); c.878C>A, p.Thr293Asn (NM_001207056.2); c.1106C>A, p.Thr369Asn (NM_175848.2, NM_175849.2); c.1142C>A, p.Thr381Asn (NM_175850.3); short protein forms T293N, T369N, T389N, T327N, T381N.
Identifiers: ClinVar variation 2016915 (VCV002016915.4), dbSNP rs2515593914, ClinGen allele CA408585174.